The following is an entry in ClinVar:

ClinVar aggregate classification (germline): Uncertain significance (3 of 4 stars; one submission).

Conditions:
Monogenic diabetes. Identifiers: Orphanet 183625, MedGen C3888631, MONDO:0015967.

Submission:

ClinGen Monogenic Diabetes Variant Curation Expert Panel
Classification: Uncertain significance for Monogenic diabetes. Last evaluated: 2024-01-22. Review status: reviewed by expert panel. Criteria: ClinGen Diabetes ACMG Specifications HNF1A V2.1.0. Collection method: curation. Allele origin: germline. Inheritance: Autosomal dominant inheritance.
Comment: The c.503G>A variant in the e.g. HNF1 homeobox A gene, HNF1A, causes an amino acid change of arginine to proline at codon 168 (p.(Arg168Pro)) of NM_000545.8. This variant is located within the DNA binding domains (codons 107-174 and 201-280) of HNF1A, which is defined as critical for the protein’s function by the ClinGen MDEP (PM1_Supporting). Additionally, this variant is absent from gnomAD v2.1.1 (PM2_Supporting). This variant is predicted to be deleterious by computational evidence, with a REVEL score of 0.922, which is greater than or equal to the MDEP VCEP threshold of 0.70 (PP3). Lastly, this variant was identified in an individual with a clinical history highly specific for HNF1A-MODY (MODY probability calculator result >50%, negative genetic testing for HNF4A) (PP4; internal lab contributors). In summary, c.503G>A meets the criteria to be classified as a variant of uncertain significance for monogenic diabetes. ACMG/AMP criteria applied, as specified by the ClinGen MDEP (specification version 2.1.0, approved 8/11/2023): PM1_Supporting, PM2_Supporting, PP3, PP4.

NM_000545.8(HNF1A):c.503G>C (p.Arg168Pro)

Gene: HNF1A (HNF1 homeobox A; plus strand). Cytogenetic location: 12q24.31.
Variant type: single nucleotide variant.
Coding change: c.503G>C on transcript NM_000545.8 (MANE Select); coding-DNA position 503, G replaced by C.
Protein change: p.Arg168Pro; replaces arginine 168 with proline.
Molecular consequence: missense variant.
Genome position (GRCh38, 1-based): chr12:120,989,009, G>C. VCF-style: chr12-120989009-G-C. GRCh37 (hg19) VCF-style: chr12-121426812-G-C.
Other names: NM_001306179.2:c.503G>C; c.503G>C, p.Arg168Pro (NM_001306179.2, NM_001406915.1); short protein forms R168P.
Identifiers: ClinVar variation 2691847 (VCV002691847.1), dbSNP rs377110124, ClinGen allele CA386960641.